The following is an entry in ClinVar:

ClinVar aggregate classification (germline): Pathogenic (1 of 4 stars; one submission).

Conditions:
Neurofibromatosis, type 1 (NF1). Also called: VON RECKLINGHAUSEN DISEASE; Neurofibromatosis, type I; NEUROFIBROMATOSIS, TYPE I, SOMATIC; Peripheral type neurofibromatosis. Identifiers: Orphanet 636, MedGen C0027831, MONDO:0018975, OMIM 162200. Disease mechanism: loss of function.

Submission:

Labcorp Genetics (formerly Invitae), Labcorp
Classification: Pathogenic for Neurofibromatosis, type 1. Last evaluated: 2018-10-04. Review status: criteria provided, single submitter. Criteria: Invitae Variant Classification Sherloc (09022015). Collection method: clinical testing. Allele origin: germline.
Comment: For these reasons, this variant has been classified as Pathogenic. Loss-of-function variants in NF1 are known to be pathogenic (PMID: 10712197, 23913538). Algorithms developed to predict the effect of sequence changes on RNA splicing suggest that this variant may create or strengthen a splice site, but this prediction has not been confirmed by published transcriptional studies. This variant has not been reported in the literature in individuals with NF1-related disease. This variant is not present in population databases (ExAC no frequency). This sequence change creates a premature translational stop signal (p.Ser1124Lysfs*71) in the NF1 gene. It is expected to result in an absent or disrupted protein product.

Literature cited by the submitters: PubMed 10712197; PubMed 23913538.

NM_001042492.3(NF1):c.3370dup (p.Ser1124fs)

Gene: NF1 (neurofibromin 1; plus strand). Cytogenetic location: 17q11.2.
Variant type: Duplication.
Coding change: c.3370dup on transcript NM_001042492.3 (MANE Select); coding-DNA position 3370, one base duplicated (A; older notation c.3370dupA).
Protein change: p.Ser1124fs; shifts the reading frame from serine 1124.
Molecular consequence: frameshift variant.
Genome position (GRCh38, 1-based): chr17:31,232,755, A duplicated; the last of 3 consecutive A bases (chr17:31,232,753-31,232,755); duplicating any one gives the same sequence. VCF-style (leftmost placement, unchanged base first): chr17-31232752-G-GA. GRCh37 (hg19) VCF-style: chr17-29559770-G-GA.
Other names: c.3370dupA (NM_000267.3); c.3370dup, p.Ser1124Lysfs (NM_000267.4); short protein forms S1124fs.
Identifiers: ClinVar variation 650810 (VCV000650810.5), dbSNP rs1597719471, ClinGen allele CA915949884.